The following is an entry in ClinVar:

ClinVar aggregate classification (germline): Likely pathogenic (1 of 4 stars; one submission).

Conditions:
Neurodevelopmental disorder with or without early-onset generalized epilepsy. Identifiers: MedGen C5436914, MONDO:0030930, OMIM 619157.

Submission:

Variantyx, Inc.
Classification: Likely pathogenic for Neurodevelopmental disorder with or without early-onset generalized epilepsy. Last evaluated: 2025-12-17. Review status: criteria provided, single submitter. Criteria: Variantyx Assertion Criteria 2022. Collection method: clinical testing. Allele origin: germline. Inheritance: Autosomal dominant inheritance. Affected: yes.
Comment: This is a frameshift variant in the NBEA gene (OMIM: 604889). Pathogenic variants in this gene have been associated with autosomal dominant neurodevelopmental disorder with or without early-onset generalized epilepsy. This variant introduces a premature termination codon in exon 37 out of 59 and is expected to result in loss of function, which is a known disease mechanism for NBEA in this disorder (PMID: 30269351, 12746398) (PVS1). This variant is absent from control populations (PM2). and it has not been reported in individuals with NBEA-related disorders in the databases available for review. Based on the current evidence, this variant is classified as likely pathogenic for autosomal dominant neurodevelopmental disorder with or without early-onset generalized epilepsy.

Literature cited by the submitters: PubMed 30269351; PubMed 12746398.

NM_001385012.1(NBEA):c.5972_5975del (p.Arg1991fs)

Gene: NBEA (neurobeachin; plus strand). Cytogenetic location: 13q13.3.
Variant type: Deletion.
Coding change: c.5972_5975del on transcript NM_001385012.1 (MANE Select); coding-DNA positions 5972 to 5975, 4 bases deleted (GACA; older notation c.5972_5975delGACA).
Protein change: p.Arg1991fs; shifts the reading frame from arginine 1991.
Molecular consequence: frameshift variant.
Genome position (GRCh38, 1-based): chr13:35,349,176-35,349,179, GACA deleted; deleting any 4 consecutive bases within chr13:35,349,173-35,349,179 gives the same sequence; the c. name uses the placement nearest the transcript's 3' end. VCF-style (leftmost placement, unchanged base first): chr13-35349172-AACAG-A. GRCh37 (hg19) VCF-style: chr13-35923309-AACAG-A.
Other names: c.5963_5966del, p.Arg1988fs (NM_001379245.1); c.5972_5975del, p.Arg1991fs (NM_015678.5); short protein forms R1988fs, R1991fs.
Identifiers: ClinVar variation 4850064 (VCV004850064.1).